The following is an entry in ClinVar:

NM_000057.4(BLM):c.1935A>C (p.Gln645His)

Gene: BLM (BLM RecQ like helicase; plus strand). Cytogenetic location: 15q26.1.
Variant type: single nucleotide variant.
Coding change: c.1935A>C on transcript NM_000057.4 (MANE Select); coding-DNA position 1935, A replaced by C.
Protein change: p.Gln645His; replaces glutamine 645 with histidine.
Molecular consequence: missense variant.
Genome position (GRCh38, 1-based): chr15:90,763,018, A>C. VCF-style: chr15-90763018-A-C. GRCh37 (hg19) VCF-style: chr15-91306248-A-C.
Other names: c.1935A>C, p.Gln645His (NM_001287246.2, NM_001287247.2); c.810A>C, p.Gln270His (NM_001287248.2); short protein forms Q645H, Q270H.
Identifiers: ClinVar variation 1782941 (VCV001782941.3), dbSNP rs1270762599, ClinGen allele CA393844174.

ClinVar aggregate classification (germline): Uncertain significance (1 of 4 stars; one submission).

Conditions:
Hereditary cancer-predisposing syndrome. Also called: Neoplastic Syndromes, Hereditary; Tumor predisposition; Hereditary Cancer Syndrome; Hereditary neoplastic syndrome. Identifiers: Orphanet 140162, MedGen C0027672, MeSH D009386, MONDO:0015356.

Submission:

Ambry Genetics
Classification: Uncertain significance for Hereditary cancer-predisposing syndrome. Last evaluated: 2025-09-25. Review status: criteria provided, single submitter. Criteria: Ambry Variant Classification Scheme 2023. Collection method: clinical testing. Allele origin: germline.
Comment: The p.Q645H variant (also known as c.1935A>C), located in coding exon 7 of the BLM gene, results from an A to C substitution at nucleotide position 1935. The glutamine at codon 645 is replaced by histidine, an amino acid with highly similar properties. This amino acid position is conserved. In addition, this alteration is predicted to be tolerated by in silico analysis. Since supporting evidence is limited at this time, the clinical significance of this alteration remains unclear.